The following is an entry in ClinVar:

ClinVar aggregate classification (germline): Uncertain significance. Review status: criteria provided, single submitter (1 of 4 stars). 2 submissions from 2 submitters: Uncertain significance (1). 1 of the submissions does not count toward it. Last evaluated 2024-04-03.

Conditions:
EP300-related disorder. Also called: EP300-related condition; EP300-related disorders.
Rubinstein-Taybi syndrome due to EP300 haploinsufficiency. Also called: RUBINSTEIN-TAYBI SYNDROME 2; EP300-Related Rubinstein-Taybi Syndrome. Identifiers: Orphanet 353284, Orphanet 783, MedGen C3150941, MONDO:0013364, OMIM 613684.

gnomAD v4.1: 4 of 1,614,040 alleles (0.00025%); highest among the groups gnomAD compares: Non-Finnish European, 0.00034%; no homozygotes.

Submissions (2):

Labcorp Genetics (formerly Invitae), Labcorp
Classification: Uncertain significance for Rubinstein-Taybi syndrome due to EP300 haploinsufficiency. Last evaluated: 2024-04-03. Review status: criteria provided, single submitter. Criteria: Invitae Variant Classification Sherloc (09022015). Collection method: clinical testing. Allele origin: germline.
Comment: This sequence change replaces glutamic acid, which is acidic and polar, with aspartic acid, which is acidic and polar, at codon 1981 of the EP300 protein (p.Glu1981Asp). This variant is present in population databases (no rsID available, gnomAD 0.0009%). This variant has not been reported in the literature in individuals affected with EP300-related conditions. Advanced modeling of protein sequence and biophysical properties (such as structural, functional, and spatial information, amino acid conservation, physicochemical variation, residue mobility, and thermodynamic stability) performed at Invitae indicates that this missense variant is not expected to disrupt EP300 protein function with a negative predictive value of 80%. In summary, the available evidence is currently insufficient to determine the role of this variant in disease. Therefore, it has been classified as a Variant of Uncertain Significance.

PreventionGenetics, part of Exact Sciences
Classification: Uncertain significance for EP300-related condition. Last evaluated: 2024-06-07. Review status: no assertion criteria provided. Collection method: clinical testing. Allele origin: germline. Not counted in ClinVar's aggregate classification.
Comment: The EP300 c.5943G>T variant is predicted to result in the amino acid substitution p.Glu1981Asp. To our knowledge, this variant has not been reported in the literature. This variant is reported in 0.00088% of alleles in individuals of European (Non-Finnish) descent in gnomAD. At this time, the clinical significance of this variant is uncertain due to the absence of conclusive functional and genetic evidence.

NM_001429.4(EP300):c.5943G>T (p.Glu1981Asp)

Gene: EP300 (EP300 lysine acetyltransferase; plus strand). Cytogenetic location: 22q13.2.
Variant type: single nucleotide variant.
Coding change: c.5943G>T on transcript NM_001429.4 (MANE Select); coding-DNA position 5943, G replaced by T.
Protein change: p.Glu1981Asp; replaces glutamic acid 1981 with aspartic acid.
Molecular consequence: missense variant.
Genome position (GRCh38, 1-based): chr22:41,177,654, G>T. VCF-style: chr22-41177654-G-T. GRCh37 (hg19) VCF-style: chr22-41573658-G-T.
Other names: c.5865G>T, p.Glu1955Asp (NM_001362843.2); c.5943G>T (NM_001429.3); short protein forms E1955D, E1981D.
Identifiers: ClinVar variation 2728048 (VCV002728048.4), dbSNP rs955056237, ClinGen allele CA324559266.